The following is an entry in ClinVar:

NM_020401.4(NUP107):c.160C>T (p.Arg54Ter)

Gene: NUP107 (nucleoporin 107; plus strand). Cytogenetic location: 12q15.
Variant type: single nucleotide variant.
Coding change: c.160C>T on transcript NM_020401.4 (MANE Select); coding-DNA position 160, C replaced by T.
Protein change: p.Arg54Ter; replaces arginine 54 with a stop codon.
Molecular consequence: nonsense. On other transcripts: synonymous variant (1).
Genome position (GRCh38, 1-based): chr12:68,689,592, C>T. VCF-style: chr12-68689592-C-T. GRCh37 (hg19) VCF-style: chr12-69083372-C-T.
Other names: c.45C>T, p.Leu15= (NM_001330192.2); short protein forms R54*.
Identifiers: ClinVar variation 4703376 (VCV004703376.1).
Genomic context (GRCh38, chr12:68,689,592, plus strand): 5'-GTTCAGGCATCTCAAGATGAAAATTTTGGTAATACTACACCAAGAAACCAGGTTATCCCT[C>T]GAACTCCTAGCTCATTTCGACAGCCTTGTAAGATTTTTTGCTTTTAAAGCATTTAATAAT-3'

ClinVar aggregate classification (germline): Pathogenic (1 of 4 stars; one submission).

gnomAD v4.1: 5 of 1,612,582 alleles (0.00031%); highest among the groups gnomAD compares: South Asian, 0.0011%; no homozygotes.

Submission:

Labcorp Genetics (formerly Invitae), Labcorp
Classification: Pathogenic. Last evaluated: 2025-12-28. Review status: criteria provided, single submitter. Criteria: Invitae Variant Classification Sherloc (09022015). Collection method: clinical testing. Allele origin: germline.
Comment: This sequence change creates a premature translational stop signal (p.Arg54*) in the NUP107 gene. It is expected to result in an absent or disrupted protein product. Loss-of-function variants in NUP107 are known to be pathogenic (PMID: 27190346). This variant is not present in population databases (gnomAD no frequency). This variant has not been reported in the literature in individuals affected with NUP107-related conditions. Algorithms developed to predict the effect of sequence changes on RNA splicing suggest that this variant may disrupt the consensus splice site. For these reasons, this variant has been classified as Pathogenic.

Literature cited by the submitters: PubMed 27190346.